The following is an entry in ClinVar:

ClinVar aggregate classification (germline): Conflicting classifications of pathogenicity. Review status: criteria provided, conflicting classifications (1 of 4 stars). 5 submissions from 5 submitters: Uncertain significance (1); Likely benign (4). Last evaluated 2024-12-06.

Conditions:
Hereditary cancer-predisposing syndrome. Also called: Hereditary neoplastic syndrome; Tumor predisposition; Neoplastic Syndromes, Hereditary; Hereditary Cancer Syndrome. Identifiers: Orphanet 140162, MedGen C0027672, MeSH D009386, MONDO:0015356.
Hereditary breast ovarian cancer syndrome. Also called: Hereditary breast and ovarian cancer; Hereditary breast and/or ovarian cancer syndrome; Hereditary breast and ovarian cancer syndrome; Hereditary breast and ovarian cancer syndrome (HBOC); Breast and ovarian cancer; BRCA1- and BRCA2-Associated Hereditary Breast and Ovarian Cancer. Identifiers: Orphanet 145, MedGen C0677776, MeSH D061325, MONDO:0003582. Disease mechanism: loss of function.
BRCA1-related cancer predisposition. Identifiers: MedGen CN377757, MONDO:0700268.

Submissions (5):

Women's Health and Genetics/Laboratory Corporation of America, LabCorp
Classification: Likely benign. Last evaluated: 2024-12-06. Review status: criteria provided, single submitter. Criteria: LabCorp Variant Classification Summary - May 2015. Collection method: clinical testing. Allele origin: germline.

All of Us Research Program, National Institutes of Health
Classification: Likely benign for BRCA1-related cancer predisposition. Last evaluated: 2024-04-16. Review status: criteria provided, single submitter. Criteria: ACMG Guidelines, 2015. Collection method: clinical testing. Allele origin: germline. Inheritance: Autosomal dominant inheritance. Observed: 1 variant allele, 1 heterozygote.
Comment: This study involves interpretation of variants in research participants for the purpose of population health screening. Participant phenotype was not available at the time of variant classification. Additional details can be found in publication PMID: 35346344, PMCID: PMC8962531

Labcorp Genetics (formerly Invitae), Labcorp
Classification: Likely benign for Hereditary breast ovarian cancer syndrome. Last evaluated: 2022-06-28. Review status: criteria provided, single submitter. Criteria: Invitae Variant Classification Sherloc (09022015). Collection method: clinical testing. Allele origin: germline.

Ambry Genetics
Classification: Likely benign for Hereditary cancer-predisposing syndrome. Last evaluated: 2019-09-09. Review status: criteria provided, single submitter. Criteria: Ambry Variant Classification Scheme 2023. Collection method: clinical testing. Allele origin: germline.

GeneDx
Classification: Uncertain significance. Last evaluated: 2016-10-25. Review status: criteria provided, single submitter. Criteria: GeneDx Variant Classification (06012015). Collection method: clinical testing. Allele origin: germline. Affected: yes.
Comment: This variant is denoted BRCA1 c.1554C>A at the DNA level. This variant is silent at the coding level, preserving an Isoleucine at codon 518. Using alternate nomenclature, this variant would be defined as BRCA1 1673C>A. It is not predicted to cause abnormal splicing. This variant has not, to our knowledge, been published in the literature as being pathogenic or benign. BRCA1 c.1554C>A was not observed in approximately 6,500 individuals of European and African American ancestry in the NHLBI Exome Sequencing Project, suggesting it is not a common benign variant in these populations. The nucleotide which is altered, a cytosine (C) at base 1554, is conserved in mammals. Based on currently available information, it is unclear whether BRCA1 c.1554C>A is a pathogenic or benign variant. We consider it to be a variant of uncertain significance.

NM_007294.4(BRCA1):c.1554C>A (p.Ile518=)

Gene: BRCA1 (BRCA1 DNA repair associated; minus strand). Cytogenetic location: 17q21.31.
Variant type: single nucleotide variant.
Coding change: c.1554C>A on transcript NM_007294.4 (MANE Select); coding-DNA position 1554, C replaced by A.
Protein change: p.Ile518=; no amino-acid change (isoleucine 518 retained).
Molecular consequence: synonymous variant. On other transcripts: intron variant (137).
Genome position (GRCh38, 1-based): chr17:43,093,977, G>T on the plus strand (C>A on the coding strand, the complement: BRCA1 is on the minus strand). VCF-style: chr17-43093977-G-T. GRCh37 (hg19) VCF-style: chr17-41245994-G-T.
Other names: c.664+767C>A (NM_001408441.1, NM_001408437.1, NM_001408429.1 and 12 more transcripts); c.787+767C>A (NM_001407982.1, NM_001407970.1, NM_001407979.1 and 19 more transcripts); c.646+767C>A (NM_001408410.1, NM_001408458.1, NM_001408469.1 and 11 more transcripts); c.709+767C>A (NM_001408415.1, NM_001408412.1, NM_001408409.1 and 2 more transcripts); c.577+767C>A (NM_001408483.1, NM_001408481.1, NM_001408480.1 and 9 more transcripts); c.1413C>A, p.Ile471= (NM_001407752.1, NM_001407850.1, NM_001407851.1 and 29 more transcripts); c.1410C>A, p.Ile470= (NM_001407838.1, NM_001407839.1, NM_001407841.1 and 20 more transcripts); c.1341C>A, p.Ile447= (NM_001407853.1, NM_001407894.1, NM_001407895.1 and 9 more transcripts); and 40 more.
Identifiers: ClinVar variation 420456 (VCV000420456.12), dbSNP rs1064794487, ClinGen allele CA16620440.